The following is an entry in ClinVar:

NM_001041.4(SI):c.4251T>G (p.Tyr1417Ter)

Gene: SI (sucrase-isomaltase; minus strand). Cytogenetic location: 3q26.1.
Variant type: single nucleotide variant.
Coding change: c.4251T>G on transcript NM_001041.4 (MANE Select); coding-DNA position 4251, T replaced by G.
Protein change: p.Tyr1417Ter; replaces tyrosine 1417 with a stop codon.
Molecular consequence: nonsense.
Genome position (GRCh38, 1-based): chr3:165,007,927, A>C on the plus strand (T>G on the coding strand, the complement: SI is on the minus strand). VCF-style: chr3-165007927-A-C. GRCh37 (hg19) VCF-style: chr3-164725715-A-C.
Other names: short protein forms Y1417*.
Identifiers: ClinVar variation 1325070 (VCV001325070.12), dbSNP rs142090504, ClinGen allele CA2689966.

ClinVar aggregate classification (germline): Conflicting classifications of pathogenicity. Review status: criteria provided, conflicting classifications (1 of 4 stars). 3 submissions from 3 submitters: Pathogenic (1); Likely pathogenic (1); Uncertain significance (1). Last evaluated 2026-10-07.

Conditions:
Sucrase-isomaltase deficiency (CSID). Also called: Congenital sucrose isomaltose malabsorption; Sucrose isomaltose enzyme deficiency; SI DEFICIENCY; Deficiency of isomaltase. Identifiers: Orphanet 35122, MedGen C1283620, MONDO:0009114, OMIM 222900.

Allele frequency attached by ClinVar (database versions not stated): gnomAD exomes 0.00006; gnomAD 0.00014 and 0.00012; ExAC 0.00005; ESP Exome Variant Server 0.00015; TOPMed 0.00011.
gnomAD v4.1: 223 of 1,587,366 alleles (0.014%); highest among the groups gnomAD compares: Non-Finnish European, 0.018%; 1 homozygote.

Submissions (3):

GeneDx
Classification: Uncertain significance. Last evaluated: 2026-10-07. Review status: criteria provided, single submitter. Criteria: GeneDx Variant Classification Process June 2021. Collection method: clinical testing. Allele origin: germline.
Comment: Reported in an individuals with irritable bowel syndrome, although this variant was also present in controls (PMID: 29408290, 34186061); Nonsense variant predicted to result in protein truncation or nonsense mediated decay in a gene for which loss of function is a known mechanism of disease; This variant is associated with the following publications: (PMID: 34186061, 32732636, 29408290, 33375084)

Labcorp Genetics (formerly Invitae), Labcorp
Classification: Pathogenic. Last evaluated: 2025-11-28. Review status: criteria provided, single submitter. Criteria: Invitae Variant Classification Sherloc (09022015). Collection method: clinical testing. Allele origin: germline.
Comment: This sequence change creates a premature translational stop signal (p.Tyr1417*) in the SI gene. It is expected to result in an absent or disrupted protein product. Loss-of-function variants in SI are known to be pathogenic (PMID: 16329100, 23103650, 25452324). This variant is present in population databases (rs142090504, gnomAD 0.01%). This premature translational stop signal has been observed in individual(s) with irritable bowel syndrome (PMID: 29408290). ClinVar contains an entry for this variant (Variation ID: 1325070). For these reasons, this variant has been classified as Pathogenic.

Fulgent Genetics
Classification: Likely pathogenic for Sucrase-isomaltase deficiency. Last evaluated: 2023-12-21. Review status: criteria provided, single submitter. Criteria: ACMG Guidelines, 2015. Collection method: clinical testing. Allele origin: germline.

Literature cited by the submitters: PubMed 16329100 (cited by Labcorp Genetics (formerly Invitae), Labcorp); PubMed 23103650 (cited by Labcorp Genetics (formerly Invitae), Labcorp); PubMed 25452324 (cited by Labcorp Genetics (formerly Invitae), Labcorp); PubMed 29408290 (cited by Labcorp Genetics (formerly Invitae), Labcorp).